The following is an entry in ClinVar:

NM_000135.4(FANCA):c.2025A>G (p.Ala675=)

Gene: FANCA (FA complementation group A; minus strand). Cytogenetic location: 16q24.3.
Variant type: single nucleotide variant.
Coding change: c.2025A>G on transcript NM_000135.4 (MANE Select); coding-DNA position 2025, A replaced by G.
Protein change: p.Ala675=; no amino-acid change (alanine 675 retained).
Molecular consequence: synonymous variant.
Genome position (GRCh38, 1-based): chr16:89,771,804, T>C on the plus strand (A>G on the coding strand, the complement: FANCA is on the minus strand). VCF-style: chr16-89771804-T-C. GRCh37 (hg19) VCF-style: chr16-89838212-T-C.
Other names: c.2025A>G, p.Ala675= (NM_001286167.3).
Identifiers: ClinVar variation 3342060 (VCV003342060.16).

ClinVar aggregate classification (germline): Likely benign (1 of 4 stars; one submission).

gnomAD v4.1: 1 of 1,613,946 alleles (0.000062%); highest among the groups gnomAD compares: Non-Finnish European, 0.000085%; no homozygotes.

Submission:

CeGaT Center for Human Genetics Tuebingen
Classification: Likely benign. Last evaluated: 2024-08-01. Review status: criteria provided, single submitter. Criteria: CeGaT Center For Human Genetics Tuebingen Variant Classification Criteria Version 2. Collection method: clinical testing. Allele origin: germline. Affected: yes. Observed: 1 variant allele.
Comment: FANCA: BP4, BP7